The following is an entry in ClinVar:

ClinVar aggregate classification (germline): Uncertain significance (1 of 4 stars; one submission).

Conditions:
Emery-Dreifuss muscular dystrophy 5, autosomal dominant (EDMD5). Also called: EMERY-DREIFUSS MUSCULAR DYSTROPHY 5. Identifiers: Orphanet 261, MedGen C2751805, MONDO:0013072, OMIM 612999.

Allele frequency attached by ClinVar (database versions not stated): ExAC 0.00003; gnomAD 0.00005; TOPMed 0.00006; ESP Exome Variant Server 0.00015; 1000 Genomes Project 30x 0.00016; 1000 Genomes Project 0.00020.
gnomAD v4.1: 24 of 1,613,794 alleles (0.0015%); highest among the groups gnomAD compares: African/African-American, 0.016%; no homozygotes.

Submission:

Labcorp Genetics (formerly Invitae), Labcorp
Classification: Uncertain significance for Emery-Dreifuss muscular dystrophy 5, autosomal dominant. Last evaluated: 2022-12-31. Review status: criteria provided, single submitter. Criteria: Invitae Variant Classification Sherloc (09022015). Collection method: clinical testing. Allele origin: germline.
Comment: This sequence change falls in intron 115 of the SYNE2 gene. It does not directly change the encoded amino acid sequence of the SYNE2 protein. It affects a nucleotide within the consensus splice site. This variant is present in population databases (rs371221980, gnomAD 0.03%). This variant has not been reported in the literature in individuals affected with SYNE2-related conditions. Variants that disrupt the consensus splice site are a relatively common cause of aberrant splicing (PMID: 17576681, 9536098). Algorithms developed to predict the effect of sequence changes on RNA splicing suggest that this variant is not likely to affect RNA splicing. In summary, the available evidence is currently insufficient to determine the role of this variant in disease. Therefore, it has been classified as a Variant of Uncertain Significance.

Literature cited by the submitters: PubMed 17576681; PubMed 9536098.

NM_182914.3(SYNE2):c.20516+5C>T

Gene: SYNE2 (spectrin repeat containing nuclear envelope protein 2; plus strand). Cytogenetic location: 14q23.2.
Variant type: single nucleotide variant.
Coding change: c.20516+5C>T on transcript NM_182914.3 (MANE Select); 5 bases into the intron after coding-DNA position 20516, C replaced by T.
Molecular consequence: intron variant.
Genome position (GRCh38, 1-based): chr14:64,225,050, C>T. VCF-style: chr14-64225050-C-T. GRCh37 (hg19) VCF-style: chr14-64691768-C-T.
Other names: c.20450+5C>T (NM_015180.6); c.1463+5C>T (NM_182913.4); c.1082+5C>T (NM_182910.2).
Identifiers: ClinVar variation 1937340 (VCV001937340.5), dbSNP rs371221980, ClinGen allele CA7224909.
Genomic context (GRCh38, chr14:64,225,050, plus strand): 5'-ACCCAGCAGTTCAGAGCAGTGAGAACTACAGAAGGCGAGGAGGAGACAGAGAGCAGGTAA[C>T]GGGGCTTTACCGTGACAGCAGTGCGTTCCCCTGCTCCACACTCCCACTGACTCAGTCTTG-3'